The following is an entry in ClinVar:

ClinVar aggregate classification (germline): Pathogenic (1 of 4 stars; one submission).

Conditions:
Hereditary cancer-predisposing syndrome. Also called: Neoplastic Syndromes, Hereditary; Tumor predisposition; Hereditary Cancer Syndrome; Hereditary neoplastic syndrome. Identifiers: Orphanet 140162, MedGen C0027672, MeSH D009386, MONDO:0015356.

gnomAD v4.1: 1 of 1,606,292 alleles (0.000062%); highest among the groups gnomAD compares: Non-Finnish European, 0.000085%; no homozygotes.

Submission:

Ambry Genetics
Classification: Pathogenic for Hereditary cancer-predisposing syndrome. Last evaluated: 2019-03-01. Review status: criteria provided, single submitter. Criteria: Ambry Variant Classification Scheme 2023. Collection method: clinical testing. Allele origin: germline.
Comment: The p.E254* pathogenic mutation (also known as c.760G>T), located in coding exon 7 of the PMS2 gene, results from a G to T substitution at nucleotide position 760. This changes the amino acid from a glutamic acid to a stop codon within coding exon 7. This alteration is expected to result in loss of function by premature protein truncation or nonsense-mediated mRNA decay. As such, this alteration is interpreted as a disease-causing mutation.

NM_000535.7(PMS2):c.760G>T (p.Glu254Ter)

Gene: PMS2 (PMS1 homolog 2, mismatch repair system component; minus strand). Cytogenetic location: 7p22.1.
Variant type: single nucleotide variant.
Coding change: c.760G>T on transcript NM_000535.7 (MANE Select); coding-DNA position 760, G replaced by T.
Protein change: p.Glu254Ter; replaces glutamic acid 254 with a stop codon.
Molecular consequence: nonsense. On other transcripts: 5 prime UTR variant (2), non-coding transcript variant (1).
Genome position (GRCh38, 1-based): chr7:5,997,369, C>A on the plus strand (G>T on the coding strand, the complement: PMS2 is on the minus strand). VCF-style: chr7-5997369-C-A. GRCh37 (hg19) VCF-style: chr7-6037000-C-A.
Other names: c.355G>T, p.Glu119Ter (NM_001018040.1, NM_001322003.2, NM_001322004.2 and 20 more transcripts); c.760G>T, p.Glu254Ter (NM_001322006.2, NM_001322014.2, NM_001406870.1 and 3 more transcripts); c.442G>T, p.Glu148Ter (NM_001322007.2, NM_001322008.2, NM_001406876.1 and 4 more transcripts); c.-174G>T (NM_001322011.2, NM_001322012.2); c.187G>T, p.Glu63Ter (NM_001322013.2, NM_001406909.1); c.451G>T, p.Glu151Ter (NM_001322015.2, NM_001406875.1, NM_001406877.1 and 6 more transcripts); c.946G>T, p.Glu316Ter (NM_001406866.1); c.784G>T, p.Glu262Ter (NM_001406868.1); and 4 more; short protein forms E119*, E142*, E218*, E254*, E83*, E198*, E262*, E316*.
Identifiers: ClinVar variation 1759789 (VCV001759789.2), dbSNP rs2128787316, ClinGen allele CA366743693.
Genomic context (GRCh38, chr7:5,997,369, plus strand): 5'-GCCAGCAATCTACTTACTAAAAAAGATTATGCAGAGCATCGGAACAGCTCAAACCGTACT[C>A]TTCACACACGGAGTCACTAGGGGGCAGCTGAACAAAAGGAATGAGGCTTTGCAACTGAAA-3'